The following is an entry in ClinVar:

ClinVar aggregate classification (germline): Uncertain significance (1 of 4 stars; one submission).

Conditions:
DYNC2H1-related disorder. Also called: DYNC2H1-related condition; DYNC2H1-related disorders. Identifiers: MedGen CN378770.

gnomAD v4.1: 1 of 1,602,622 alleles (0.000062%); highest among the groups gnomAD compares: Admixed American, 0.0017%; no homozygotes.

Submission:

PreventionGenetics, part of Exact Sciences
Classification: Uncertain significance for DYNC2H1-related condition. Last evaluated: 2026-02-16. Review status: criteria provided, single submitter. Criteria: ACMG Guidelines, 2015. Collection method: clinical testing. Allele origin: germline.
Comment: The DYNC2H1 c.9366A>T variant is predicted to result in the amino acid substitution p.Lys3122Asn. To our knowledge, this variant has not been reported in the literature. This variant is reported in 0.0% of alleles in individuals of African descent in gnomAD. At this time, the clinical significance of this variant is uncertain due to the absence of conclusive functional and genetic evidence.

NM_001377.3(DYNC2H1):c.9366A>T (p.Lys3122Asn)

Gene: DYNC2H1 (dynein cytoplasmic 2 heavy chain 1; plus strand). Cytogenetic location: 11q22.3.
Variant type: single nucleotide variant.
Coding change: c.9366A>T on transcript NM_001377.3 (MANE Select); coding-DNA position 9366, A replaced by T.
Protein change: p.Lys3122Asn; replaces lysine 3122 with asparagine.
Molecular consequence: missense variant.
Genome position (GRCh38, 1-based): chr11:103,231,272, A>T. VCF-style: chr11-103231272-A-T. GRCh37 (hg19) VCF-style: chr11-103102001-A-T.
Other names: c.9366A>T, p.Lys3122Asn (NM_001080463.2); short protein forms K3122N.
Identifiers: ClinVar variation 4991091 (VCV004991091.1).